The following is an entry in ClinVar:

NM_000388.4(CASR):c.457G>A (p.Val153Met)

Gene: CASR (calcium sensing receptor; plus strand). Cytogenetic location: 3q21.1.
Variant type: single nucleotide variant.
Coding change: c.457G>A on transcript NM_000388.4 (MANE Select); coding-DNA position 457, G replaced by A.
Protein change: p.Val153Met; replaces valine 153 with methionine.
Molecular consequence: missense variant.
Genome position (GRCh38, 1-based): chr3:122,257,352, G>A. VCF-style: chr3-122257352-G-A. GRCh37 (hg19) VCF-style: chr3-121976199-G-A.
Other names: c.457G>A, p.Val153Met (NM_001178065.2); short protein forms V153M.
Identifiers: ClinVar variation 2951962 (VCV002951962.3), dbSNP rs2473215254, ClinGen allele CA354362931.

ClinVar aggregate classification (germline): Uncertain significance (1 of 4 stars; one submission).

Conditions:
Autosomal dominant hypocalcemia 1 (HYPOC1). Also called: HYPOCALCEMIA, FAMILIAL. Identifiers: MedGen C3715128, MONDO:0011013, OMIM 601198.
Familial hypocalciuric hypercalcemia (FHH). Also called: Familial benign hypercalcemia. Identifiers: Orphanet 405, MedGen C1809471, MONDO:0018458.

Submission:

Labcorp Genetics (formerly Invitae), Labcorp
Classification: Uncertain significance for Familial hypocalciuric hypercalcemia; Autosomal dominant hypocalcemia 1. Last evaluated: 2023-09-15. Review status: criteria provided, single submitter. Criteria: Invitae Variant Classification Sherloc (09022015). Collection method: clinical testing. Allele origin: germline.
Comment: In summary, the available evidence is currently insufficient to determine the role of this variant in disease. Therefore, it has been classified as a Variant of Uncertain Significance. An algorithm developed to predict the effect of missense changes on protein structure and function (PolyPhen-2) suggests that this variant is likely to be disruptive. This variant has not been reported in the literature in individuals affected with CASR-related conditions. This variant is not present in population databases (gnomAD no frequency). This sequence change replaces valine, which is neutral and non-polar, with methionine, which is neutral and non-polar, at codon 153 of the CASR protein (p.Val153Met).